The following is an entry in ClinVar:

ClinVar aggregate classification (germline): Uncertain significance (1 of 4 stars; one submission).

gnomAD v4.1: 1 of 1,614,152 alleles (0.000062%); highest among the groups gnomAD compares: Non-Finnish European, 0.000085%; no homozygotes.

Submission:

Labcorp Genetics (formerly Invitae), Labcorp
Classification: Uncertain significance. Last evaluated: 2023-08-16. Review status: criteria provided, single submitter. Criteria: Invitae Variant Classification Sherloc (09022015). Collection method: clinical testing. Allele origin: germline.
Comment: In summary, the available evidence is currently insufficient to determine the role of this variant in disease. Therefore, it has been classified as a Variant of Uncertain Significance. Advanced modeling of protein sequence and biophysical properties (such as structural, functional, and spatial information, amino acid conservation, physicochemical variation, residue mobility, and thermodynamic stability) performed at Invitae indicates that this missense variant is not expected to disrupt DMP1 protein function. This variant has not been reported in the literature in individuals affected with DMP1-related conditions. This variant is present in population databases (no rsID available, gnomAD 0.0009%). This sequence change replaces threonine, which is neutral and polar, with isoleucine, which is neutral and non-polar, at codon 161 of the DMP1 protein (p.Thr161Ile).

NM_004407.4(DMP1):c.482C>T (p.Thr161Ile)

Genes: DMP1 (dentin matrix acidic phosphoprotein 1; plus strand), DMP1-AS1 (DMP1 and DSPP antisense RNA 1; minus strand). Cytogenetic location: 4q22.1.
Variant type: single nucleotide variant.
Coding change: c.482C>T on transcript NM_004407.4 (MANE Select); coding-DNA position 482, C replaced by T.
Protein change: p.Thr161Ile; replaces threonine 161 with isoleucine.
Molecular consequence: missense variant.
Genome position (GRCh38, 1-based): chr4:87,662,260, C>T. VCF-style: chr4-87662260-C-T. GRCh37 (hg19) VCF-style: chr4-88583412-C-T.
Other names: c.434C>T, p.Thr145Ile (NM_001079911.3); short protein forms T161I, T145I.
Identifiers: ClinVar variation 2753106 (VCV002753106.3), dbSNP rs1174460196, ClinGen allele CA357699055.